The following is an entry in ClinVar:

NM_000283.4(PDE6B):c.1459G>A (p.Glu487Lys)

Gene: PDE6B (phosphodiesterase 6B; plus strand). Cytogenetic location: 4p16.3.
Variant type: single nucleotide variant.
Coding change: c.1459G>A on transcript NM_000283.4 (MANE Select); coding-DNA position 1459, G replaced by A.
Protein change: p.Glu487Lys; replaces glutamic acid 487 with lysine.
Molecular consequence: missense variant.
Genome position (GRCh38, 1-based): chr4:659,009, G>A. VCF-style: chr4-659009-G-A. GRCh37 (hg19) VCF-style: chr4-652798-G-A.
Other names: c.1459G>A, p.Glu487Lys (NM_001145291.2); c.622G>A, p.Glu208Lys (NM_001145292.2, NM_001350154.3, NM_001379246.1 and 1 more transcripts); c.304G>A, p.Glu102Lys (NM_001350155.3); short protein forms E102K, E208K, E487K.
Identifiers: ClinVar variation 903663 (VCV000903663.12), dbSNP rs139369984, ClinGen allele CA2794529.

ClinVar aggregate classification (germline): Uncertain significance. Review status: criteria provided, multiple submitters, no conflicts (2 of 4 stars). 4 submissions from 3 submitters: Uncertain significance (4). Last evaluated 2025-11-23.

Conditions:
Retinitis pigmentosa (RP). Identifiers: Orphanet 791, MedGen C0035334, MeSH D012174, MONDO:0019200, OMIM 268000. Inheritance: Autosomal dominant, autosomal recessive and X linked inheritance.
Congenital stationary night blindness autosomal dominant 2. Also called: NIGHT BLINDNESS, CONGENITAL STATIONARY, RAMBUSCH TYPE. Identifiers: Orphanet 215, MedGen C1876182, MONDO:0008099, OMIM 163500.

Allele frequency attached by ClinVar (database versions not stated): gnomAD 0.00001; gnomAD exomes 0.00001 and 0.00003; ExAC 0.00002; TOPMed 0.00002; ESP Exome Variant Server 0.00015.
gnomAD v4.1: 17 of 1,612,808 alleles (0.0011%); highest among the groups gnomAD compares: East Asian, 0.016%; no homozygotes.

Submissions (4):

Labcorp Genetics (formerly Invitae), Labcorp
Classification: Uncertain significance. Last evaluated: 2025-11-23. Review status: criteria provided, single submitter. Criteria: Invitae Variant Classification Sherloc (09022015). Collection method: clinical testing. Allele origin: germline.
Comment: This sequence change replaces glutamic acid, which is acidic and polar, with lysine, which is basic and polar, at codon 487 of the PDE6B protein (p.Glu487Lys). This variant is present in population databases (rs139369984, gnomAD 0.02%). This variant has not been reported in the literature in individuals affected with PDE6B-related conditions. ClinVar contains an entry for this variant (Variation ID: 903663). An algorithm developed to predict the effect of missense changes on protein structure and function outputs the following: PolyPhen-2: "Benign". The lysine amino acid residue is found in multiple mammalian species, which suggests that this missense change does not adversely affect protein function. In summary, the available evidence is currently insufficient to determine the role of this variant in disease. Therefore, it has been classified as a Variant of Uncertain Significance.

Blueprint Genetics
Classification: Uncertain significance. Last evaluated: 2024-02-26. Review status: criteria provided, single submitter. Criteria: ACMG Guidelines, 2015. Collection method: clinical testing. Allele origin: germline.

Illumina Laboratory Services, Illumina
Classification: Uncertain significance for Retinitis pigmentosa. Last evaluated: 2018-01-12. Review status: criteria provided, single submitter. Criteria: ICSL Variant Classification Criteria 13 December 2019. Collection method: clinical testing. Allele origin: germline.

Illumina Laboratory Services, Illumina
Classification: Uncertain significance for Congenital stationary night blindness autosomal dominant 2. Last evaluated: 2018-01-12. Review status: criteria provided, single submitter. Criteria: ICSL Variant Classification Criteria 13 December 2019. Collection method: clinical testing. Allele origin: germline.